The following is an entry in ClinVar:

ClinVar aggregate classification (germline): Uncertain significance (1 of 4 stars; one submission).

Conditions:
Autosomal dominant hypocalcemia 1 (HYPOC1). Also called: HYPOCALCEMIA, FAMILIAL. Identifiers: MedGen C3715128, MONDO:0011013, OMIM 601198.
Familial hypocalciuric hypercalcemia (FHH). Also called: Familial benign hypercalcemia. Identifiers: Orphanet 405, MedGen C1809471, MONDO:0018458.

gnomAD v4.1: 1 of 1,614,112 alleles (0.000062%); highest among the groups gnomAD compares: Admixed American, 0.0017%; no homozygotes.

Submission:

Labcorp Genetics (formerly Invitae), Labcorp
Classification: Uncertain significance for Familial hypocalciuric hypercalcemia; Autosomal dominant hypocalcemia 1. Last evaluated: 2025-04-20. Review status: criteria provided, single submitter. Criteria: Invitae Variant Classification Sherloc (09022015). Collection method: clinical testing. Allele origin: germline.
Comment: This sequence change replaces leucine, which is neutral and non-polar, with proline, which is neutral and non-polar, at codon 304 of the CASR protein (p.Leu304Pro). This variant is present in population databases (no rsID available, gnomAD 0.003%). This variant has not been reported in the literature in individuals affected with CASR-related conditions. An algorithm developed to predict the effect of missense changes on protein structure and function (PolyPhen-2) suggests that this variant is likely to be disruptive. In summary, the available evidence is currently insufficient to determine the role of this variant in disease. Therefore, it has been classified as a Variant of Uncertain Significance.

NM_000388.4(CASR):c.911T>C (p.Leu304Pro)

Gene: CASR (calcium sensing receptor; plus strand). Cytogenetic location: 3q21.1.
Variant type: single nucleotide variant.
Coding change: c.911T>C on transcript NM_000388.4 (MANE Select); coding-DNA position 911, T replaced by C.
Protein change: p.Leu304Pro; replaces leucine 304 with proline.
Molecular consequence: missense variant.
Genome position (GRCh38, 1-based): chr3:122,261,946, T>C. VCF-style: chr3-122261946-T-C. GRCh37 (hg19) VCF-style: chr3-121980793-T-C.
Other names: c.911T>C, p.Leu304Pro (NM_001178065.2); short protein forms L304P.
Identifiers: ClinVar variation 4784775 (VCV004784775.1).
Genomic context (GRCh38, chr3:122,261,946, plus strand): 5'-TCCGGCGCAATATCACGGGCAAGATCTGGCTGGCCAGCGAGGCCTGGGCCAGCTCCTCCC[T>C]GATCGCCATGCCTCAGTACTTCCACGTGGTTGGCGGCACCATTGGATTCGCTCTGAAGGC-3'
Protein context (NP_000379.3, residues 294-314): LASEAWASSS[Leu304Pro]IAMPQYFHVV